The following is an entry in ClinVar:

ClinVar aggregate classification (germline): Uncertain significance (1 of 4 stars; one submission).

Submission:

Labcorp Genetics (formerly Invitae), Labcorp
Classification: Uncertain significance. Last evaluated: 2023-08-17. Review status: criteria provided, single submitter. Criteria: Invitae Variant Classification Sherloc (09022015). Collection method: clinical testing. Allele origin: germline.
Comment: An algorithm developed to predict the effect of missense changes on protein structure and function (PolyPhen-2) suggests that this variant is likely to be tolerated. In summary, the available evidence is currently insufficient to determine the role of this variant in disease. Therefore, it has been classified as a Variant of Uncertain Significance. ClinVar contains an entry for this variant (Variation ID: 1384784). This variant has not been reported in the literature in individuals affected with NDUFAF1-related conditions. This variant is not present in population databases (gnomAD no frequency). This sequence change replaces aspartic acid, which is acidic and polar, with alanine, which is neutral and non-polar, at codon 62 of the NDUFAF1 protein (p.Asp62Ala).

NM_016013.4(NDUFAF1):c.185A>C (p.Asp62Ala)

Gene: NDUFAF1 (NADH:ubiquinone oxidoreductase complex assembly factor 1; minus strand). Cytogenetic location: 15q15.1.
Variant type: single nucleotide variant.
Coding change: c.185A>C on transcript NM_016013.4 (MANE Select); coding-DNA position 185, A replaced by C.
Protein change: p.Asp62Ala; replaces aspartic acid 62 with alanine.
Molecular consequence: missense variant. On other transcripts: non-coding transcript variant (1).
Genome position (GRCh38, 1-based): chr15:41,396,875, T>G on the plus strand (A>C on the coding strand, the complement: NDUFAF1 is on the minus strand). VCF-style: chr15-41396875-T-G. GRCh37 (hg19) VCF-style: chr15-41689073-T-G.
Other names: short protein forms D62A.
Identifiers: ClinVar variation 1384784 (VCV001384784.6), dbSNP rs2050396318, ClinGen allele CA391810612.